The following is an entry in ClinVar:

ClinVar aggregate classification (germline): Uncertain significance. Review status: criteria provided, multiple submitters, no conflicts (2 of 4 stars). 3 submissions from 3 submitters: Uncertain significance (3). Last evaluated 2024-07-31.

Conditions:
Hereditary cancer-predisposing syndrome. Also called: Tumor predisposition; Neoplastic Syndromes, Hereditary; Hereditary neoplastic syndrome; Hereditary Cancer Syndrome. Identifiers: Orphanet 140162, MedGen C0027672, MeSH D009386, MONDO:0015356.
Tuberous sclerosis 2 (TSC2). Identifiers: Orphanet 805, MedGen C1860707, MONDO:0013199, OMIM 613254.

Allele frequency attached by ClinVar (database versions not stated): gnomAD exomes below 0.00001.

Submissions (3):

Ambry Genetics
Classification: Uncertain significance for Hereditary cancer-predisposing syndrome. Last evaluated: 2024-07-31. Review status: criteria provided, single submitter. Criteria: Ambry Variant Classification Scheme 2023. Collection method: clinical testing. Allele origin: germline.
Comment: The p.M1? variant (also known as c.2T>C) is located in coding exon 1 of the TSC2 gene and results from a T to C substitution at nucleotide position 2. This alters the methionine residue at the initiation codon (ATG). Variations that modify the initiation codon (ATG) are expected to result in either loss of translation initiation, N-terminal truncation, or cause a shift in the mRNA reading frame; however, there is an in-frame methionine 50 amino acids from the initiation site, which may result in N-terminal truncation of unknown functional significance. Since supporting evidence is limited at this time, the clinical significance of this alteration remains unclear.

Labcorp Genetics (formerly Invitae), Labcorp
Classification: Uncertain significance for Tuberous sclerosis 2. Last evaluated: 2024-07-17. Review status: criteria provided, single submitter. Criteria: Invitae Variant Classification Sherloc (09022015). Collection method: clinical testing. Allele origin: germline.
Comment: This sequence change affects the initiator methionine of the TSC2 mRNA. The next in-frame methionine is located at codon 50. This variant is not present in population databases (gnomAD no frequency). Disruption of the initiator codon has been observed in individual(s) with clinical features of tuberous sclerosis complex (PMID: 22903760). ClinVar contains an entry for this variant (Variation ID: 1002972). Algorithms developed to predict the effect of variants on gene product structure and function are not available or were not evaluated for this variant. Experimental studies have shown that disruption of the initiator codon affects TSC2 function (PMID: 22903760). In summary, the available evidence is currently insufficient to determine the role of this variant in disease. Therefore, it has been classified as a Variant of Uncertain Significance.

GeneDx
Classification: Uncertain significance. Last evaluated: 2024-06-11. Review status: criteria provided, single submitter. Criteria: GeneDx Variant Classification Process June 2021. Collection method: clinical testing. Allele origin: germline.
Comment: Not observed at significant frequency in large population cohorts (gnomAD); Initiation codon variant in a gene for which loss-of-function is a known mechanism of disease; however, a downstream in-frame ATG could serve as an alternate initiator codon; Has not been previously published as pathogenic or benign to our knowledge; This variant is associated with the following publications: (PMID: 22903760)

Literature cited by the submitters: PubMed 22903760 (cited by Labcorp Genetics (formerly Invitae), Labcorp).

NM_000548.5(TSC2):c.2T>C (p.Met1Thr)

Gene: TSC2 (TSC complex subunit 2; plus strand). Cytogenetic location: 16p13.3.
Variant type: single nucleotide variant.
Coding change: c.2T>C on transcript NM_000548.5 (MANE Select); coding-DNA position 2, T replaced by C.
Protein change: p.Met1Thr; changes the start codon (methionine 1).
Molecular consequence: missense variant, initiator codon variant. On other transcripts: 5 prime UTR variant (1), intron variant (1).
Genome position (GRCh38, 1-based): chr16:2,048,617, T>C. VCF-style: chr16-2048617-T-C. GRCh37 (hg19) VCF-style: chr16-2098618-T-C.
Other names: c.-225T>C (NM_001318831.2); c.35T>C, p.Met12Thr (NM_001318832.2); c.2T>C, p.Met1Thr (NM_001363528.2, NM_001370404.1, NM_001370405.1 and 4 more transcripts); c.-10+552T>C (NM_001318829.2); short protein forms M12T, M1T.
Identifiers: ClinVar variation 1002972 (VCV001002972.11), dbSNP rs2084667702, ClinGen allele CA394300406.
Genomic context (GRCh38, chr16:2,048,617, plus strand): 5'-GATGTCCCCATTCCTGTTTCGTTTGCACAGAGGGGTTTTCTGGTGCGTCCTGGTCCACCA[T>C]GGCCAAACCAACAAGCAAAGATTCAGGCTTGAAGGAGAAGTTTAAGATTCTGTTGGGACT-3'
Protein context (NP_000539.2, residues 1-11): [Met1Thr]AKPTSKDSGL